The following is an entry in ClinVar:

ClinVar aggregate classification (germline): Likely benign (1 of 4 stars; one submission).

gnomAD v4.1: 2 of 1,614,176 alleles (0.00012%); highest among the groups gnomAD compares: South Asian, 0.0011%; no homozygotes.

Submission:

CeGaT Center for Human Genetics Tuebingen
Classification: Likely benign. Last evaluated: 2026-07-01. Review status: criteria provided, single submitter. Criteria: CeGaT Center For Human Genetics Tuebingen Variant Classification Criteria Version 2. Collection method: clinical testing. Allele origin: germline. Affected: yes. Observed: 1 variant allele.
Comment: FOXP1: BP4

NM_001349338.3(FOXP1):c.1804A>G (p.Ile602Val)

Gene: FOXP1 (forkhead box P1; minus strand). Cytogenetic location: 3p13.
Variant type: single nucleotide variant.
Coding change: c.1804A>G on transcript NM_001349338.3 (MANE Select); coding-DNA position 1804, A replaced by G.
Protein change: p.Ile602Val; replaces isoleucine 602 with valine.
Molecular consequence: missense variant. On other transcripts: non-coding transcript variant (2).
Genome position (GRCh38, 1-based): chr3:70,965,975, T>C on the plus strand (A>G on the coding strand, the complement: FOXP1 is on the minus strand). VCF-style: chr3-70965975-T-C. GRCh37 (hg19) VCF-style: chr3-71015126-T-C.
Other names: c.1801A>G, p.Ile601Val (NM_001244808.3, NM_001349341.3); c.1852A>G, p.Ile618Val (NM_001244810.2); c.1576A>G, p.Ile526Val (NM_001244812.3); c.1504A>G, p.Ile502Val (NM_001244813.3, NM_001244815.2, NM_001349342.3); c.1804A>G, p.Ile602Val (NM_001244814.3, NM_001244816.2, NM_001349340.3 and 1 more transcripts); c.1501A>G, p.Ile501Val (NM_001349337.2, NM_001349343.3, NM_001349344.3 and 1 more transcripts); short protein forms I501V, I502V, I526V, I601V, I602V, I618V.
Identifiers: ClinVar variation 5039940 (VCV005039940.1).